The following is an entry in ClinVar:

NM_000516.7(GNAS):c.476_477del (p.Val159fs)

Gene: GNAS (GNAS complex locus; plus strand). Cytogenetic location: 20q13.32.
Variant type: Deletion.
Coding change: c.476_477del on transcript NM_000516.7 (MANE Select); coding-DNA positions 476 to 477, 2 bases deleted (TG; older notation c.476_477delTG).
Protein change: p.Val159fs; shifts the reading frame from valine 159.
Molecular consequence: frameshift variant. On other transcripts: 3 prime UTR variant (2).
Genome position (GRCh38, 1-based): chr20:58,905,426-58,905,427, TG deleted; deleting any 2 consecutive bases within chr20:58,905,425-58,905,427 gives the same sequence; the c. name uses the placement nearest the transcript's 3' end. VCF-style (leftmost placement, unchanged base first): chr20-58905424-AGT-A. GRCh37 (hg19) VCF-style: chr20-57480479-AGT-A.
Other names: c.479_480del, p.Val160fs (NM_001077488.5); c.431_432del, p.Val144fs (NM_001077489.4); c.*337_*338del (NM_001077490.3); c.299_300del, p.Val100fs (NM_001309840.2, NM_001309861.2, NM_001438276.1 and 1 more transcripts); c.380_381del, p.Val127fs (NM_001410912.1); c.2360_2361del, p.Val787fs (NM_001410913.1); c.254_255del, p.Val85fs (NM_001438273.1, NM_001438274.1, NM_001438275.1); c.*382_*383del (NM_016592.5); and 2 more; short protein forms V127fs, V144fs, V145fs, V160fs, V787fs, V100fs, V159fs, V802fs.
Identifiers: ClinVar variation 4833022 (VCV004833022.1).
Genomic context (GRCh38, chr20:58,905,424, plus strand): 5'-TTCTTGTGTTCACTTTCAGGAATTCTATGAGCATGCCAAGGCTCTGTGGGAGGATGAAGG[AGT>A]GCGTGCCTGCTACGAACGCTCCAACGAGTACCAGCTGATTGACTGTGCCCAGTAGTAAGT-3'

ClinVar aggregate classification (germline): Pathogenic (1 of 4 stars; one submission).

Conditions:
Inborn genetic diseases. Identifiers: MedGen C0950123, MeSH D030342.

Submission:

Ambry Genetics
Classification: Pathogenic for Inborn genetic diseases. Last evaluated: 2025-12-17. Review status: criteria provided, single submitter. Criteria: Ambry Variant Classification Scheme 2023. Collection method: clinical testing. Allele origin: germline.
Comment: The c.476_477delTG (p.V159Afs*14) alteration, located in exon 6 (coding exon 6) of the GNAS gene, consists of a deletion of 2 nucleotides from position 476 to 477, causing a translational frameshift with a predicted alternate stop codon after 14 amino acids. This alteration is expected to result in loss of function by premature protein truncation or nonsense-mediated mRNA decay. for pseudohypoparathyroidism and pseudopseudohypoparathyroidism; however, its clinical significance for McCune-Albright syndrome is uncertain. This variant was not reported in population-based cohorts in the Genome Aggregation Database (gnomAD). Based on the available evidence, this alteration is classified as pathogenic.